The following is an entry in ClinVar:

NM_020717.5(SHROOM4):c.1025G>C (p.Cys342Ser)

Gene: SHROOM4 (shroom family member 4; minus strand). Cytogenetic location: Xp11.22.
Variant type: single nucleotide variant.
Coding change: c.1025G>C on transcript NM_020717.5 (MANE Select); coding-DNA position 1025, G replaced by C.
Protein change: p.Cys342Ser; replaces cysteine 342 with serine.
Molecular consequence: missense variant. On other transcripts: non-coding transcript variant (4).
Genome position (GRCh38, 1-based): chrX:50,635,048, C>G on the plus strand (G>C on the coding strand, the complement: SHROOM4 is on the minus strand). VCF-style: chrX-50635048-C-G. GRCh37 (hg19) VCF-style: chrX-50378048-C-G.
Other names: short protein forms C342S.
Identifiers: ClinVar variation 4526103 (VCV004526103.1).

ClinVar aggregate classification (germline): Uncertain significance (1 of 4 stars; one submission).

gnomAD v4.1: 2 of 1,210,800 alleles (0.00017%); highest among the groups gnomAD compares: Non-Finnish European, 0.00022%; no homozygotes.

Submission:

Women's Health and Genetics/Laboratory Corporation of America, LabCorp
Classification: Uncertain significance. Last evaluated: 2025-07-08. Review status: criteria provided, single submitter. Criteria: LabCorp Variant Classification Summary - May 2015. Collection method: clinical testing. Allele origin: germline.
Comment: Variant summary: SHROOM4 c.1025G>C (p.Cys342Ser) results in a non-conservative amino acid change in the encoded protein sequence. Algorithms developed to predict the effect of missense changes on protein structure and function are either unavailable or do not agree on the potential impact of this missense change. The variant allele was found at a frequency of 5.5e-06 in 183067 control chromosomes. The available data on variant occurrences in the general population are insufficient to allow any conclusion about variant significance. To our knowledge, no occurrence of c.1025G>C in individuals affected with X-Linked Intellectual Disability, Stocco Dos Santos Type and no experimental evidence demonstrating its impact on protein function have been reported. No submitters have cited clinical-significance assessments for this variant to ClinVar. Based on the evidence outlined above, the variant was classified as uncertain significance.